The following is an entry in ClinVar:

ClinVar aggregate classification (germline): Uncertain significance (1 of 4 stars; one submission).

Allele frequency attached by ClinVar (database versions not stated): TOPMed 0.00002.

Submission:

Labcorp Genetics (formerly Invitae), Labcorp
Classification: Uncertain significance. Last evaluated: 2024-08-29. Review status: criteria provided, single submitter. Criteria: Invitae Variant Classification Sherloc (09022015). Collection method: clinical testing. Allele origin: germline.
Comment: This variant, c.5260_5268del, results in the deletion of 3 amino acid(s) of the MYH3 protein (p.Glu1754_Ala1756del), but otherwise preserves the integrity of the reading frame. This variant is not present in population databases (gnomAD no frequency). This variant has not been reported in the literature in individuals affected with MYH3-related conditions. ClinVar contains an entry for this variant (Variation ID: 1913784). Experimental studies and prediction algorithms are not available or were not evaluated, and the functional significance of this variant is currently unknown. In summary, the available evidence is currently insufficient to determine the role of this variant in disease. Therefore, it has been classified as a Variant of Uncertain Significance.

NM_002470.4(MYH3):c.5260_5268del (p.Glu1754_Ala1756del)

Gene: MYH3 (myosin heavy chain 3; minus strand). Cytogenetic location: 17p13.1.
Variant type: Deletion.
Coding change: c.5260_5268del on transcript NM_002470.4 (MANE Select); coding-DNA positions 5260 to 5268, 9 bases deleted (GAGAAGGCC; older notation c.5260_5268delGAGAAGGCC).
Protein change: p.Glu1754_Ala1756del.
Molecular consequence: inframe deletion.
Genome position (GRCh38, 1-based): chr17:10,631,629-10,631,637, GGCCTTCTC deleted on the plus strand (GAGAAGGCC on the coding strand, the reverse complement: MYH3 is on the minus strand). VCF-style (leftmost placement, unchanged base first): chr17-10631628-TGGCCTTCTC-T. GRCh37 (hg19) VCF-style: chr17-10534945-TGGCCTTCTC-T.
Identifiers: ClinVar variation 1913784 (VCV001913784.5), dbSNP rs2074158300, ClinGen allele CA2247322618.